The following is an entry in ClinVar:

NM_000051.4(ATM):c.1986T>C (p.Phe662=)

Gene: ATM (ATM serine/threonine kinase; plus strand). Cytogenetic location: 11q22.3.
Variant type: single nucleotide variant.
Coding change: c.1986T>C on transcript NM_000051.4 (MANE Select); coding-DNA position 1986, T replaced by C.
Protein change: p.Phe662=; no amino-acid change (phenylalanine 662 retained).
Molecular consequence: synonymous variant.
Genome position (GRCh38, 1-based): chr11:108,253,901, T>C. VCF-style: chr11-108253901-T-C. GRCh37 (hg19) VCF-style: chr11-108124628-T-C.
Other names: p.F662F:TTT>TTC; c.1986T>C, p.Phe662= (NM_001351834.2).
Identifiers: ClinVar variation 135740 (VCV000135740.84), dbSNP rs1800055, ClinGen allele CA289538.
Genomic context (GRCh38, chr11:108,253,901, plus strand): 5'-ACTTTCATTCTCAGAAGTAGAAGAACTATTTCTTCAGACAACTTTTGACAAGATGGACTT[T>C]TTAACCATTGTGAGAGAATGTGGTATAGAAAAGCACCAGTCCAGTATTGGCTTCTCTGTC-3'
Protein context (NP_000042.3, residues 652-672): FLQTTFDKMD[Phe662=]LTIVRECGIE

ClinVar aggregate classification (germline): Conflicting classifications of pathogenicity. Review status: criteria provided, conflicting classifications (1 of 4 stars). 29 submissions from 29 submitters: Uncertain significance (1); Benign (7); Likely benign (13). 8 of the submissions do not count toward it. Last evaluated 2026-02-03.

Conditions:
Breast and/or ovarian cancer. Identifiers: MedGen CN221562.
Hereditary cancer-predisposing syndrome. Also called: Tumor predisposition; Hereditary neoplastic syndrome; Hereditary Cancer Syndrome; Neoplastic Syndromes, Hereditary. Identifiers: Orphanet 140162, MedGen C0027672, MeSH D009386, MONDO:0015356.
Hereditary breast ovarian cancer syndrome. Also called: Hereditary breast and ovarian cancer; Hereditary breast and/or ovarian cancer syndrome; BRCA1- and BRCA2-Associated Hereditary Breast and Ovarian Cancer; Hereditary breast and ovarian cancer syndrome (HBOC); Hereditary breast and ovarian cancer syndrome; Breast and ovarian cancer. Identifiers: Orphanet 145, MedGen C0677776, MeSH D061325, MONDO:0003582. Disease mechanism: loss of function.
Ataxia-telangiectasia syndrome (AT). Also called: ATAXIA-TELANGIECTASIA, COMPLEMENTATION GROUP A; ATAXIA-TELANGIECTASIA, FRESNO VARIANT; Ataxia-telangiectasia; Ataxia-telangiectasia, complementation group D; AT, COMPLEMENTATION GROUP C; Ataxia-telangiectasia, complementation group E. Identifiers: Orphanet 100, MedGen C0004135, MONDO:0008840, OMIM 208900.
Familial cancer of breast. Also called: Hereditary breast cancer; hereditary breast carcinoma; BREAST CANCER, FAMILIAL. Identifiers: Orphanet 227535, MedGen C0346153, MONDO:0016419, OMIM 114480. Disease mechanism: loss of function.
Malignant tumor of breast. Also called: Cancer breast; Malignant breast neoplasm. Identifiers: MedGen C0006142, MONDO:0007254. Disease mechanism: loss of function.

Allele frequency attached by ClinVar (database versions not stated): ESP Exome Variant Server 0.00038; ExAC 0.00042; gnomAD 0.00044 and 0.00046; gnomAD exomes 0.00048 and 0.00064; TOPMed 0.00048.
gnomAD v4.1: 1,006 of 1,613,978 alleles (0.062%); highest among the groups gnomAD compares: Non-Finnish European, 0.077%; no homozygotes.

Submissions 1 to 19 of 29:

Labcorp Genetics (formerly Invitae), Labcorp
Classification: Benign for Ataxia-telangiectasia syndrome. Last evaluated: 2026-02-03. Review status: criteria provided, single submitter. Criteria: Invitae Variant Classification Sherloc (09022015). Collection method: clinical testing. Allele origin: germline.

ARUP Laboratories, Molecular Genetics and Genomics, ARUP Laboratories
Classification: Likely benign. Last evaluated: 2025-05-29. Review status: criteria provided, single submitter. Criteria: ARUP Molecular Germline Variant Investigation Process 2024. Collection method: clinical testing. Allele origin: germline.

Center for Genomic Medicine, Rigshospitalet, Copenhagen University Hospital
Classification: Likely benign. Last evaluated: 2025-03-04. Review status: criteria provided, single submitter. Criteria: ACMG Guidelines, 2015. Collection method: clinical testing. Allele origin: germline.

Hereditary Cancer Laboratory, Hospital Universitario 12 de Octubre
Classification: Likely benign for Hereditary cancer-predisposing syndrome. Last evaluated: 2025-02-18. Review status: criteria provided, single submitter. Criteria: ACMG Guidelines, 2015. Collection method: clinical testing. Allele origin: germline.
Comment: BS1 + BP4 + BP7

Mayo Clinic Laboratories, Mayo Clinic
Classification: Likely benign. Last evaluated: 2025-01-17. Review status: criteria provided, single submitter. Criteria: ACMG Guidelines, 2015. Collection method: clinical testing. Allele origin: germline. Observed: 6 variant alleles.
Comment: BS1, BP4, BP7

Blueprint Genetics
Classification: Likely benign. Last evaluated: 2024-11-08. Review status: criteria provided, single submitter. Criteria: ACMG Guidelines, 2015. Collection method: clinical testing. Allele origin: germline.

Myriad Genetics, Inc.
Classification: Benign for Familial cancer of breast. Last evaluated: 2024-05-02. Review status: criteria provided, single submitter. Criteria: Myriad Autosomal Dominant, Autosomal Recessive and X-Linked Classification Criteria (2023). Collection method: clinical testing. Allele origin: unknown.
Comment: This variant is considered benign. This variant is a silent/synonymous amino acid change and it is not expected to impact splicing.

CeGaT Center for Human Genetics Tuebingen
Classification: Likely benign. Last evaluated: 2024-04-01. Review status: criteria provided, single submitter. Criteria: CeGaT Center For Human Genetics Tuebingen Variant Classification Criteria Version 2. Collection method: clinical testing. Allele origin: germline. Affected: yes. Observed: 4 variant alleles.
Comment: ATM: BP4, BS1:Supporting

German Consortium for Hereditary Breast and Ovarian Cancer, University Hospital Cologne
Classification: Likely benign for Hereditary breast ovarian cancer syndrome. Last evaluated: 2024-02-19. Review status: criteria provided, single submitter. Criteria: ClinGen ATM V1.1.0. Collection method: curation. Allele origin: germline.
Comment: According to the ClinGen ACMG ATM v1.1.0 criteria we chose these criteria: BP7 (supporting benign): A synonymous variant for which splicing prediction algorithms predict no impact to the splice consensus sequence nor the creation of a new splice Own RNA-Analysis revealed no effect on splicing, BS1 (strong benign): Filtering Allele Frequency >.05% (0.0006509)

KCCC/NGS Laboratory, Kuwait Cancer Control Center
Classification: Benign for Familial cancer of breast. Last evaluated: 2023-07-07. Review status: criteria provided, single submitter. Criteria: ACMG Guidelines, 2015. Collection method: clinical testing. Allele origin: germline. Affected: yes.

Quest Diagnostics Nichols Institute San Juan Capistrano
Classification: Benign. Last evaluated: 2023-02-09. Review status: criteria provided, single submitter. Criteria: Quest Diagnostics criteria. Collection method: clinical testing. Allele origin: unknown.

Sema4
Classification: Likely benign for Hereditary cancer-predisposing syndrome. Last evaluated: 2021-05-04. Review status: criteria provided, single submitter. Criteria: Sema4 Curation Guidelines. Collection method: curation. Allele origin: germline.

Genetic Services Laboratory, University of Chicago
Classification: Likely benign. Last evaluated: 2019-09-11. Review status: criteria provided, single submitter. Criteria: ACMG Guidelines, 2015. Collection method: clinical testing. Allele origin: germline. Affected: no.

CHEO Genetics Diagnostic Laboratory, Children's Hospital of Eastern Ontario
Classification: Likely benign for Breast and/or ovarian cancer. Last evaluated: 2019-08-16. Review status: criteria provided, single submitter. Criteria: ACMG Guidelines, 2015. Collection method: clinical testing. Allele origin: germline.

Women's Health and Genetics/Laboratory Corporation of America, LabCorp
Classification: Benign. Last evaluated: 2019-02-14. Review status: criteria provided, single submitter. Criteria: LabCorp Variant Classification Summary - May 2015. Collection method: clinical testing. Allele origin: germline.
Comment: Variant summary: ATM c.1986T>C alters a conserved nucleotide resulting in a synonymous change. 5/5 computational tools predict no significant impact on normal splicing. However, these predictions have yet to be confirmed by functional studies. The variant allele was found at a frequency of 0.00048 in 277242 control chromosomes, predominantly at a frequency of 0.0011 within the Ashkenazi Jewish subpopulation and at a frequency of 0.00083 in the Non-Finnish European subpopulation in the gnomAD database. The observed variant frequency within Ashkenazi Jewish and Non-Finnish European control individuals in the gnomAD database is approximately equal to the estimated maximal expected allele frequency for a pathogenic variant in ATM causing Breast Cancer phenotype (0.001), strongly suggesting that the variant is a benign polymorphism. c.1986T>C has been reported in the literature in individuals affected with cancer, including breast cancer, non-Hodgkin lymphoma and chronic lymphocytic leukemia (Skowronska_2012, Bernstein_2010, Sipahimalani_2007, Vorechovsky_1996). These reports do not provide unequivocal conclusions about association of the variant with Breast Cancer. Co-occurrences with other pathogenic variants have been reported in our internal database (PALB2 c.761C>G, p.Ser254X; BRCA1 c.68_69delAG, p.E23fs*17), providing supporting evidence for a benign role. Additionally, the variant was detected in heterozygous state in 12 control individuals in the FLOSSIES database (individuals aged over 70 who never had cancer), providing further supporting evidence for a benign role. To our knowledge, no experimental evidence demonstrating an impact on protein function has been reported. Six ClinVar submissions from clinical diagnostic laboratories (evaluation after 2014) cite the variant as likely benign. Based on the evidence outlined above, the variant was classified as benign.

Athena Diagnostics
Classification: Benign. Last evaluated: 2018-11-23. Review status: criteria provided, single submitter. Criteria: Athena Diagnostics Criteria. Collection method: clinical testing. Allele origin: germline.

Institute for Biomarker Research, Medical Diagnostic Laboratories, L.L.C.
Classification: Likely benign for Hereditary cancer-predisposing syndrome. Last evaluated: 2017-07-12. Review status: criteria provided, single submitter. Criteria: ACMG Guidelines, 2015. Collection method: clinical testing. Allele origin: germline.

Illumina Laboratory Services, Illumina
Classification: Uncertain significance for Ataxia-telangiectasia syndrome. Last evaluated: 2017-04-27. Review status: criteria provided, single submitter. Criteria: ICSL Variant Classification Criteria 13 December 2019. Collection method: clinical testing. Allele origin: germline.
Comment: This variant was observed as part of a predisposition screen in an ostensibly healthy population. A literature search was performed for the gene, cDNA change, and amino acid change (where applicable). Publications were found based on this search. However, the evidence from the literature, in combination with allele frequency data from public databases where available, was not sufficient to rule this variant in or out of causing disease. Therefore, this variant is classified as a variant of unknown significance.

Color Diagnostics, LLC DBA Color Health
Classification: Likely benign for Hereditary cancer-predisposing syndrome. Last evaluated: 2015-08-14. Review status: criteria provided, single submitter. Criteria: ACMG Guidelines, 2015. Collection method: clinical testing. Allele origin: germline.